The following is an entry in ClinVar:

ClinVar aggregate classification (germline): Uncertain significance. Review status: criteria provided, multiple submitters, no conflicts (2 of 4 stars). 5 submissions from 5 submitters: Uncertain significance (5). Last evaluated 2026-08-25.

Conditions:
Nephrolithiasis, calcium oxalate. Also called: Calcium oxalate urolithiasis. Identifiers: MedGen C1833683, MONDO:0957318, HP:0008672.
Inborn genetic diseases. Identifiers: MedGen C0950123, MeSH D030342.
Kidney stone. Also called: Nephrolithiasis. Identifiers: MedGen C0392525, MONDO:0008171, HP:0000787.

Allele frequency attached by ClinVar (database versions not stated): TOPMed 0.00002; ESP Exome Variant Server 0.00008.
gnomAD v4.1: 39 of 1,556,458 alleles (0.0025%); highest among the groups gnomAD compares: Middle Eastern, 0.033%; no homozygotes.

Submissions (5):

Clinical Genetics Laboratory, Skane University Hospital Lund
Classification: Uncertain significance for Kidney stone. Last evaluated: 2026-08-25. Review status: criteria provided, single submitter. Criteria: ACMG Guidelines, 2015. Collection method: clinical testing. Allele origin: germline. Inheritance: Autosomal recessive inheritance. Affected: yes.
Comment: PM2

Labcorp Genetics (formerly Invitae), Labcorp
Classification: Uncertain significance. Last evaluated: 2025-04-17. Review status: criteria provided, single submitter. Criteria: Invitae Variant Classification Sherloc (09022015). Collection method: clinical testing. Allele origin: germline.
Comment: This sequence change replaces arginine, which is basic and polar, with serine, which is neutral and polar, at codon 507 of the SLC26A1 protein (p.Arg507Ser). This variant is present in population databases (rs368806302, gnomAD 0.01%). This variant has not been reported in the literature in individuals affected with SLC26A1-related conditions. ClinVar contains an entry for this variant (Variation ID: 950147). Invitae Evidence Modeling of protein sequence and biophysical properties (such as structural, functional, and spatial information, amino acid conservation, physicochemical variation, residue mobility, and thermodynamic stability) indicates that this missense variant is not expected to disrupt SLC26A1 protein function with a negative predictive value of 80%. In summary, the available evidence is currently insufficient to determine the role of this variant in disease. Therefore, it has been classified as a Variant of Uncertain Significance.

Blueprint Genetics
Classification: Uncertain significance. Last evaluated: 2024-09-17. Review status: criteria provided, single submitter. Criteria: ACMG Guidelines, 2015. Collection method: clinical testing. Allele origin: germline.

Ambry Genetics
Classification: Uncertain significance for Inborn genetic diseases. Last evaluated: 2022-08-30. Review status: criteria provided, single submitter. Criteria: Ambry Variant Classification Scheme 2023. Collection method: clinical testing. Allele origin: germline.

Fulgent Genetics
Classification: Uncertain significance for Nephrolithiasis susceptibility caused by SLC26A1. Last evaluated: 2021-11-30. Review status: criteria provided, single submitter. Criteria: ACMG Guidelines, 2015. Collection method: clinical testing. Allele origin: unknown.

NM_022042.4(SLC26A1):c.1519C>A (p.Arg507Ser)

Genes: IDUA (alpha-L-iduronidase; plus strand), SLC26A1 (solute carrier family 26 member 1; minus strand). Cytogenetic location: 4p16.3.
Variant type: single nucleotide variant.
Coding change: c.1519C>A on transcript NM_022042.4 (MANE Select); coding-DNA position 1519, C replaced by A.
Protein change: p.Arg507Ser; replaces arginine 507 with serine.
Molecular consequence: missense variant. On other transcripts: intron variant (2).
Genome position (GRCh38, 1-based): chr4:989,420, G>T on the plus strand (C>A on the coding strand, the complement: SLC26A1 is on the minus strand). VCF-style: chr4-989420-G-T. GRCh37 (hg19) VCF-style: chr4-983208-G-T.
Other names: c.1519C>A (NM_213613.2); c.1519C>A, p.Arg507Ser (NM_213613.4); c.576+1708C>A (NM_134425.4); c.299+1471G>T (NM_000203.5); short protein forms R507S.
Identifiers: ClinVar variation 950147 (VCV000950147.14), dbSNP rs368806302, ClinGen allele CA2801362.